The following is an entry in ClinVar:

ClinVar aggregate classification (germline): Likely benign. Review status: criteria provided, multiple submitters, no conflicts (2 of 4 stars). 2 submissions from 2 submitters: Likely benign (2). Last evaluated 2025-10-04.

Conditions:
Hereditary breast ovarian cancer syndrome. Also called: Hereditary breast and/or ovarian cancer syndrome; Hereditary breast and ovarian cancer syndrome; Hereditary breast and ovarian cancer syndrome (HBOC); Hereditary breast and ovarian cancer; BRCA1- and BRCA2-Associated Hereditary Breast and Ovarian Cancer; Breast and ovarian cancer. Identifiers: Orphanet 145, MedGen C0677776, MeSH D061325, MONDO:0003582. Disease mechanism: loss of function.

Submissions (2):

Labcorp Genetics (formerly Invitae), Labcorp
Classification: Likely benign for Hereditary breast ovarian cancer syndrome. Last evaluated: 2025-10-04. Review status: criteria provided, single submitter. Criteria: Invitae Variant Classification Sherloc (09022015). Collection method: clinical testing. Allele origin: germline.

GeneDx
Classification: Likely benign. Last evaluated: 2016-09-06. Review status: criteria provided, single submitter. Criteria: GeneDx Variant Classification (06012015). Collection method: clinical testing. Allele origin: germline. Affected: yes.
Comment: This variant is considered likely benign or benign based on one or more of the following criteria: it is a conservative change, it occurs at a poorly conserved position in the protein, it is predicted to be benign by multiple in silico algorithms, and/or has population frequency not consistent with disease.

NM_007294.4(BRCA1):c.4719T>C (p.Asp1573=)

Gene: BRCA1 (BRCA1 DNA repair associated; minus strand). Cytogenetic location: 17q21.31.
Variant type: single nucleotide variant.
Coding change: c.4719T>C on transcript NM_007294.4 (MANE Select); coding-DNA position 4719, T replaced by C.
Protein change: p.Asp1573=; no amino-acid change (aspartic acid 1573 retained).
Molecular consequence: synonymous variant. On other transcripts: intron variant (1).
Genome position (GRCh38, 1-based): chr17:43,071,195, A>G on the plus strand (T>C on the coding strand, the complement: BRCA1 is on the minus strand). VCF-style: chr17-43071195-A-G. GRCh37 (hg19) VCF-style: chr17-41223212-A-G.
Other names: c.4506T>C, p.Asp1502= (NM_001407571.1, NM_001407894.1, NM_001407895.1 and 12 more transcripts); c.4785T>C, p.Asp1595= (NM_001407581.1, NM_001407582.1); c.4782T>C, p.Asp1594= (NM_001407583.1, NM_001407585.1, NM_001407587.1 and 1 more transcripts); c.4779T>C, p.Asp1593= (NM_001407590.1, NM_001407591.1); c.4719T>C, p.Asp1573= (NM_001407593.1, NM_001407594.1, NM_001407596.1 and 8 more transcripts); c.4716T>C, p.Asp1572= (NM_001407610.1, NM_001407611.1, NM_001407612.1 and 17 more transcripts); c.4713T>C, p.Asp1571= (NM_001407627.1, NM_001407628.1, NM_001407629.1 and 14 more transcripts); c.4710T>C, p.Asp1570= (NM_001407644.1, NM_001407645.1); and 71 more.
Identifiers: ClinVar variation 378963 (VCV000378963.3), dbSNP rs1057520436, ClinGen allele CA16607259.